The following is an entry in ClinVar:

ClinVar aggregate classification (germline): Conflicting classifications of pathogenicity. Review status: criteria provided, conflicting classifications (1 of 4 stars). 3 submissions from 3 submitters: Likely pathogenic (1); Uncertain significance (2). Last evaluated 2025-10-17.

Conditions:
TMEM67-related disorder. Also called: TMEM67-related condition; TMEM67-related disorders. Identifiers: MedGen CN239423.
Kidney disorder. Also called: renal disease; Nephropathy; renal disorder; Kidney disease; Kidney Diseases. Identifiers: MedGen C0022658, MONDO:0005240, HP:0000112.

Submissions (3):

PreventionGenetics, part of Exact Sciences
Classification: Likely pathogenic for TMEM67-related condition. Last evaluated: 2025-10-17. Review status: criteria provided, single submitter. Criteria: ACMG Guidelines, 2015. Collection method: clinical testing. Allele origin: germline.
Comment: The TMEM67 c.2882C>A variant is predicted to result in the amino acid substitution p.Ser961Tyr. This variant was reported in the compound heterozygous state in an individual with Meckel syndrome (Szymanska et al. 2012. PubMed ID: 23351400). Functional studies in C. elegans suggest that this variant negatively impacts protein function (Lange et al. 2022. PubMed ID: 34964473). This variant has not been reported in a large population database (gnomAD), indicating this variant is rare. This variant is interpreted as likely pathogenic.

Women's Health and Genetics/Laboratory Corporation of America, LabCorp
Classification: Uncertain significance. Last evaluated: 2024-09-25. Review status: criteria provided, single submitter. Criteria: LabCorp Variant Classification Summary - May 2015. Collection method: clinical testing. Allele origin: germline.
Comment: Variant summary: TMEM67 c.2882C>A (p.Ser961Tyr) results in a non-conservative amino acid change in the encoded protein sequence. Four of five in-silico tools predict a damaging effect of the variant on protein function. The variant was absent in 250294 control chromosomes (gnomAD). c.2882C>A has been reported in the literature in an individual affected with features of Meckel-Gruber syndrome (Szymanska_2012). These data do not allow any conclusion about variant significance. At least one publication reports experimental evidence evaluating an impact on protein function, finding that the variant results in a similar phenotypic disruption in C. elegans as a known pathogenic variant (Lange_2022). The following publications have been ascertained in the context of this evaluation (PMID: 23351400, 34964473). ClinVar contains an entry for this variant (Variation ID: 1712348). Based on the evidence outlined above, the variant was classified as VUS-possibly pathogenic.

Genome Diagnostics Laboratory, The Hospital for Sick Children
Classification: Uncertain significance for Kidney disorder. Last evaluated: 2016-12-12. Review status: criteria provided, single submitter. Criteria: ACMG Guidelines, 2015. Collection method: clinical testing. Allele origin: germline.

Literature cited by the submitters: PubMed 23351400 (cited by Women's Health and Genetics/Laboratory Corporation of America, LabCorp); PubMed 34964473 (cited by Women's Health and Genetics/Laboratory Corporation of America, LabCorp).

NM_153704.6(TMEM67):c.2882C>A (p.Ser961Tyr)

Gene: TMEM67 (transmembrane protein 67; plus strand). Cytogenetic location: 8q22.1.
Variant type: single nucleotide variant.
Coding change: c.2882C>A on transcript NM_153704.6 (MANE Select); coding-DNA position 2882, C replaced by A.
Protein change: p.Ser961Tyr; replaces serine 961 with tyrosine.
Molecular consequence: missense variant. On other transcripts: non-coding transcript variant (1).
Genome position (GRCh38, 1-based): chr8:93,815,422, C>A. VCF-style: chr8-93815422-C-A. GRCh37 (hg19) VCF-style: chr8-94827650-C-A.
Other names: c.2639C>A, p.Ser880Tyr (NM_001142301.1); short protein forms S880Y, S961Y.
Identifiers: ClinVar variation 1712348 (VCV001712348.4), dbSNP rs1473244821, ClinGen allele CA371701325.
Genomic context (GRCh38, chr8:93,815,422, plus strand): 5'-TTTTTGATCTGCTGTTCTTCTGTGTTGTGGATTTGGCTTGCCAAAATTTTATTTTAGCAT[C>A]CTTCCTTACATATCTACAACAAGAGGTAAACTTTTAAAATTTTTCTACATTTTCCTTCAT-3'
Protein context (NP_714915.3, residues 951-971): DLACQNFILA[Ser961Tyr]FLTYLQQEIF